The following is an entry in ClinVar:

NM_015450.3(POT1):c.410G>T (p.Arg137Leu)

Gene: POT1 (protection of telomeres 1; minus strand). Cytogenetic location: 7q31.33.
Variant type: single nucleotide variant.
Coding change: c.410G>T on transcript NM_015450.3 (MANE Select); coding-DNA position 410, G replaced by T.
Protein change: p.Arg137Leu; replaces arginine 137 with leucine.
Molecular consequence: missense variant. On other transcripts: non-coding transcript variant (3).
Genome position (GRCh38, 1-based): chr7:124,863,486, C>A on the plus strand (G>T on the coding strand, the complement: POT1 is on the minus strand). VCF-style: chr7-124863486-C-A. GRCh37 (hg19) VCF-style: chr7-124503540-C-A.
Other names: c.17G>T, p.Arg6Leu (NM_001042594.2); short protein forms R6L, R137L.
Identifiers: ClinVar variation 2497613 (VCV002497613.4), dbSNP rs587777475, ClinGen allele CA166074151.
Genomic context (GRCh38, chr7:124,863,486, plus strand): 5'-TGAACATCACACAATTTTAGTAATGTCCAAGACGGTGACATATGAGTAGATGCCCAAACA[C>A]GTAAGGCTTCTACCATTTTGTGGTCCTCAGTAGTGAAGTTAAAATACTTGCTTGAAGTGC-3'
Protein context (NP_056265.2, residues 127-147): TEDHKMVEAL[Arg137Leu]VWASTHMSPS

ClinVar aggregate classification (germline): Uncertain significance. Review status: criteria provided, multiple submitters, no conflicts (2 of 4 stars). 2 submissions from 2 submitters: Uncertain significance (2). Last evaluated 2024-03-20.

Conditions:
Hereditary cancer-predisposing syndrome. Also called: Hereditary neoplastic syndrome; Hereditary Cancer Syndrome; Tumor predisposition; Neoplastic Syndromes, Hereditary. Identifiers: Orphanet 140162, MedGen C0027672, MeSH D009386, MONDO:0015356.
Tumor predisposition syndrome 3 (TPDS3). Also called: Glioma susceptibility 9; LONG TELOMERE SYNDROME, POT1-RELATED; POT1 Tumor Predisposition; Melanoma, cutaneous malignant, susceptibility to, 10. Identifiers: Orphanet 618, MedGen C4014476, MONDO:0014368, OMIM 615848.

Submissions (2):

Labcorp Genetics (formerly Invitae), Labcorp
Classification: Uncertain significance for Tumor predisposition syndrome 3. Last evaluated: 2024-03-20. Review status: criteria provided, single submitter. Criteria: Invitae Variant Classification Sherloc (09022015). Collection method: clinical testing. Allele origin: germline.
Comment: This sequence change replaces arginine, which is basic and polar, with leucine, which is neutral and non-polar, at codon 137 of the POT1 protein (p.Arg137Leu). This variant is not present in population databases (gnomAD no frequency). This variant has not been reported in the literature in individuals affected with POT1-related conditions. ClinVar contains an entry for this variant (Variation ID: 2497613). Advanced modeling of protein sequence and biophysical properties (such as structural, functional, and spatial information, amino acid conservation, physicochemical variation, residue mobility, and thermodynamic stability) performed at Invitae indicates that this missense variant is not expected to disrupt POT1 protein function with a negative predictive value of 80%. In summary, the available evidence is currently insufficient to determine the role of this variant in disease. Therefore, it has been classified as a Variant of Uncertain Significance.

Ambry Genetics
Classification: Uncertain significance for Hereditary cancer-predisposing syndrome. Last evaluated: 2023-01-12. Review status: criteria provided, single submitter. Criteria: Ambry Variant Classification Scheme 2023. Collection method: clinical testing. Allele origin: germline.
Comment: The p.R137L variant (also known as c.410G>T), located in coding exon 4 of the POT1 gene, results from a G to T substitution at nucleotide position 410. The arginine at codon 137 is replaced by leucine, an amino acid with dissimilar properties. This amino acid position is highly conserved in available vertebrate species. In addition, this alteration is predicted to be deleterious by in silico analysis. Since supporting evidence is limited at this time, the clinical significance of this alteration remains unclear.